The following is an entry in ClinVar:

ClinVar aggregate classification (germline): Likely benign (1 of 4 stars; one submission).

Allele frequency attached by ClinVar (database versions not stated): gnomAD exomes below 0.00001.
gnomAD v4.1: 2 of 1,614,220 alleles (0.00012%); highest among the groups gnomAD compares: African/African-American, 0.0013%; no homozygotes.

Submission:

GeneDx
Classification: Likely benign. Last evaluated: 2017-12-22. Review status: criteria provided, single submitter. Criteria: GeneDx Variant Classification (06012015). Collection method: clinical testing. Allele origin: germline. Affected: yes.
Comment: This variant is considered likely benign or benign based on one or more of the following criteria: it is a conservative change, it occurs at a poorly conserved position in the protein, it is predicted to be benign by multiple in silico algorithms, and/or has population frequency not consistent with disease.

NM_021971.4(GMPPB):c.225C>T (p.Ile75=)

Genes: GMPPB (GDP-mannose pyrophosphorylase B; minus strand), LOC129936764 (ATAC-STARR-seq lymphoblastoid active region 19874; plus strand). Cytogenetic location: 3p21.31.
Variant type: single nucleotide variant.
Coding change: c.225C>T on transcript NM_021971.4 (MANE Select); coding-DNA position 225, C replaced by T.
Protein change: p.Ile75=; no amino-acid change (isoleucine 75 retained).
Molecular consequence: synonymous variant.
Genome position (GRCh38, 1-based): chr3:49,723,288, G>A on the plus strand (C>T on the coding strand, the complement: GMPPB is on the minus strand). VCF-style: chr3-49723288-G-A. GRCh37 (hg19) VCF-style: chr3-49760721-G-A.
Other names: c.225C>T, p.Ile75= (NM_013334.4).
Identifiers: ClinVar variation 514184 (VCV000514184.1), dbSNP rs945019622, ClinGen allele CA433850997.